The following is an entry in ClinVar:

ClinVar aggregate classification (germline): Uncertain significance (1 of 4 stars; one submission).

Submission:

Labcorp Genetics (formerly Invitae), Labcorp
Classification: Uncertain significance. Last evaluated: 2025-08-01. Review status: criteria provided, single submitter. Criteria: Invitae Variant Classification Sherloc (09022015). Collection method: clinical testing. Allele origin: germline.
Comment: This sequence change replaces cysteine, which is neutral and slightly polar, with glycine, which is neutral and non-polar, at codon 464 of the DLL4 protein (p.Cys464Gly). This variant is not present in population databases (gnomAD no frequency). This variant has not been reported in the literature in individuals affected with DLL4-related conditions. Invitae Evidence Modeling of protein sequence and biophysical properties (such as structural, functional, and spatial information, amino acid conservation, physicochemical variation, residue mobility, and thermodynamic stability) indicates that this missense variant is expected to disrupt DLL4 protein function with a positive predictive value of 80%. In summary, the available evidence is currently insufficient to determine the role of this variant in disease. Therefore, it has been classified as a Variant of Uncertain Significance.

NM_019074.4(DLL4):c.1390T>G (p.Cys464Gly)

Gene: DLL4 (delta like canonical Notch ligand 4; plus strand). Cytogenetic location: 15q15.1.
Variant type: single nucleotide variant.
Coding change: c.1390T>G on transcript NM_019074.4 (MANE Select); coding-DNA position 1390, T replaced by G.
Protein change: p.Cys464Gly; replaces cysteine 464 with glycine.
Molecular consequence: missense variant.
Genome position (GRCh38, 1-based): chr15:40,936,377, T>G. VCF-style: chr15-40936377-T-G. GRCh37 (hg19) VCF-style: chr15-41228575-T-G.
Other names: short protein forms C464G.
Identifiers: ClinVar variation 4745200 (VCV004745200.1).
Genomic context (GRCh38, chr15:40,936,377, plus strand): 5'-TGTGCCCGTAACCCTTGCGCCCACGGTGGCACTTGCCATGACCTGGAGAATGGGCTCATG[T>G]GCACCTGCCCTGCCGGCTTCTCTGGCCGACGCTGTGAGGTGCGGACATCCATCGATGCCT-3'
Protein context (NP_061947.1, residues 454-474): TCHDLENGLM[Cys464Gly]TCPAGFSGRR